The following is an entry in ClinVar:

NM_002471.4(MYH6):c.3979-8dup

Gene: MYH6 (myosin heavy chain 6; minus strand). Cytogenetic location: 14q11.2.
Variant type: Duplication.
Coding change: c.3979-8dup on transcript NM_002471.4 (MANE Select); 8 bases into the intron before coding-DNA position 3979, one base duplicated (C; older notation c.3979-8dupC).
Molecular consequence: intron variant.
Genome position (GRCh38, 1-based): chr14:23,389,063, G duplicated on the plus strand (C on the coding strand, the reverse complement: MYH6 is on the minus strand); the first of 10 consecutive G bases (chr14:23,389,063-23,389,072); duplicating any one gives the same sequence. VCF-style (leftmost placement, unchanged base first): chr14-23389062-A-AG. GRCh37 (hg19) VCF-style: chr14-23858271-A-AG.
Other names: c.3979-8dupC (NM_002471.3).
Identifiers: ClinVar variation 179575 (VCV000179575.40), dbSNP rs193922652, ClinGen allele CA184695.

ClinVar aggregate classification (germline): Benign/Likely benign. Review status: criteria provided, multiple submitters, no conflicts (2 of 4 stars). 10 submissions from 10 submitters: Benign (3); Likely benign (3). 4 of the submissions do not count toward it. Last evaluated 2026-02-01.

Conditions:
Cardiomyopathy (CMYO). Also called: Cardiomyopathies. Identifiers: Orphanet 167848, MedGen C0878544, MONDO:0004994, HP:0001638. Inheritance: Various modes of inheritance.
Hypertrophic cardiomyopathy 14. Identifiers: MedGen C2750467, MONDO:0013197, OMIM 613251.

Submissions (10):

Labcorp Genetics (formerly Invitae), Labcorp
Classification: Benign for Hypertrophic cardiomyopathy 14. Last evaluated: 2026-02-01. Review status: criteria provided, single submitter. Criteria: Invitae Variant Classification Sherloc (09022015). Collection method: clinical testing. Allele origin: germline.

ARUP Laboratories, Molecular Genetics and Genomics, ARUP Laboratories
Classification: Likely benign. Last evaluated: 2025-05-14. Review status: criteria provided, single submitter. Criteria: ARUP Molecular Germline Variant Investigation Process 2024. Collection method: clinical testing. Allele origin: germline.

CeGaT Center for Human Genetics Tuebingen
Classification: Likely benign. Last evaluated: 2025-01-01. Review status: criteria provided, single submitter. Criteria: CeGaT Center For Human Genetics Tuebingen Variant Classification Criteria Version 2. Collection method: clinical testing. Allele origin: germline. Affected: yes. Observed: 1 variant allele.
Comment: MYH6: BP4, BS1

Blueprint Genetics
Classification: Likely benign. Last evaluated: 2024-11-26. Review status: criteria provided, single submitter. Criteria: ACMG Guidelines, 2015. Collection method: clinical testing. Allele origin: germline.

Women's Health and Genetics/Laboratory Corporation of America, LabCorp
Classification: Benign. Last evaluated: 2021-03-15. Review status: criteria provided, single submitter. Criteria: LabCorp Variant Classification Summary - May 2015. Collection method: clinical testing. Allele origin: germline.
Comment: Variant summary: MYH6 c.3979-8dupC alters a non-conserved nucleotide located close to a canonical splice site and therefore could affect mRNA splicing, leading to a significantly altered protein sequence. 4/4 computational tools predict no significant impact on normal splicing. However, these predictions have yet to be confirmed by functional studies. The variant allele was found at a frequency of 0.0059 in 139674 control chromosomes. The observed variant frequency is approximately 235 fold of the estimated maximal expected allele frequency for a pathogenic variant in MYH6 causing Cardiomyopathy phenotype (2.5e-05), strongly suggesting that the variant is benign. To our knowledge, no occurrence of c.3979-8dupC in individuals affected with Cardiomyopathy and no experimental evidence demonstrating its impact on protein function have been reported. Two clinical diagnostic laboratories have submitted clinical-significance assessments for this variant to ClinVar after 2014 without evidence for independent evaluation. One laboratory classified the variant as benign and one laboratory classified the variant as uncertain significance. Based on the evidence outlined above, the variant was classified as benign.

CHEO Genetics Diagnostic Laboratory, Children's Hospital of Eastern Ontario
Classification: Benign for Cardiomyopathy. Last evaluated: 2019-11-13. Review status: criteria provided, single submitter. Criteria: ACMG Guidelines, 2015. Collection method: clinical testing. Allele origin: germline.

Laboratory for Molecular Medicine, Mass General Brigham Personalized Medicine
No classification provided. Last evaluated: 2014-02-26. Review status: no classification provided. Collection method: clinical testing. Allele origin: germline. Observed: 1 variant allele. Not counted in ClinVar's aggregate classification.

Clinical Genetics DNA and cytogenetics Diagnostics Lab, Erasmus MC, Erasmus Medical Center
Classification: Benign. Review status: no assertion criteria provided. Collection method: clinical testing. Allele origin: germline. Affected: yes. Study: VKGL Data-share Consensus. Not counted in ClinVar's aggregate classification.

Diagnostic Laboratory, Department of Genetics, University Medical Center Groningen
Classification: Benign. Review status: no assertion criteria provided. Collection method: clinical testing. Allele origin: germline. Affected: yes. Study: VKGL Data-share Consensus. Not counted in ClinVar's aggregate classification.

Genome Diagnostics Laboratory, University Medical Center Utrecht
Classification: Benign. Review status: no assertion criteria provided. Collection method: clinical testing. Allele origin: germline. Affected: yes. Study: VKGL Data-share Consensus. Not counted in ClinVar's aggregate classification.